The following is an entry in ClinVar:

ClinVar aggregate classification (germline): Uncertain significance (1 of 4 stars; one submission).

Allele frequency attached by ClinVar (database versions not stated): gnomAD 0.00001; TOPMed 0.00001.
gnomAD v4.1: 7 of 1,612,854 alleles (0.00043%); highest among the groups gnomAD compares: African/African-American, 0.0013%; no homozygotes.

Submission:

Labcorp Genetics (formerly Invitae), Labcorp
Classification: Uncertain significance. Last evaluated: 2022-06-14. Review status: criteria provided, single submitter. Criteria: Invitae Variant Classification Sherloc (09022015). Collection method: clinical testing. Allele origin: germline.
Comment: This sequence change falls in intron 2 of the CLUAP1 gene. It does not directly change the encoded amino acid sequence of the CLUAP1 protein. It affects a nucleotide within the consensus splice site. This variant is not present in population databases (gnomAD no frequency). This variant has not been reported in the literature in individuals affected with CLUAP1-related conditions. ClinVar contains an entry for this variant (Variation ID: 1057649). Variants that disrupt the consensus splice site are a relatively common cause of aberrant splicing (PMID: 17576681, 9536098). Algorithms developed to predict the effect of sequence changes on RNA splicing suggest that this variant is not likely to affect RNA splicing. In summary, the available evidence is currently insufficient to determine the role of this variant in disease. Therefore, it has been classified as a Variant of Uncertain Significance.

Literature cited by the submitters: PubMed 17576681; PubMed 9536098.

NM_015041.3(CLUAP1):c.135-3T>C

Gene: CLUAP1 (clusterin associated protein 1; plus strand). Cytogenetic location: 16p13.3.
Variant type: single nucleotide variant.
Coding change: c.135-3T>C on transcript NM_015041.3 (MANE Select); 3 bases into the intron before coding-DNA position 135, T replaced by C.
Molecular consequence: intron variant.
Genome position (GRCh38, 1-based): chr16:3,506,328, T>C. VCF-style: chr16-3506328-T-C. GRCh37 (hg19) VCF-style: chr16-3556328-T-C.
Other names: c.135-3T>C (NM_001330454.2).
Identifiers: ClinVar variation 1057649 (VCV001057649.7), dbSNP rs1209857976, ClinGen allele CA720446506.